The following is an entry in ClinVar:

NM_000334.4(SCN4A):c.4177A>G (p.Ile1393Val)

Genes: GH-LCR (growth hormone locus control region; plus strand), SCN4A (sodium voltage-gated channel alpha subunit 4; minus strand). Cytogenetic location: 17q23.3.
Variant type: single nucleotide variant.
Coding change: c.4177A>G on transcript NM_000334.4 (MANE Select); coding-DNA position 4177, A replaced by G.
Protein change: p.Ile1393Val; replaces isoleucine 1393 with valine.
Molecular consequence: missense variant.
Genome position (GRCh38, 1-based): chr17:63,942,937, T>C on the plus strand (A>G on the coding strand, the complement: SCN4A is on the minus strand). VCF-style: chr17-63942937-T-C. GRCh37 (hg19) VCF-style: chr17-62020297-T-C.
Other names: short protein forms I1393V.
Identifiers: ClinVar variation 3367816 (VCV003367816.3).

ClinVar aggregate classification (germline): Uncertain significance. Review status: criteria provided, multiple submitters, no conflicts (2 of 4 stars). 2 submissions from 2 submitters: Uncertain significance (2). Last evaluated 2024-12-31.

Conditions:
Hyperkalemic periodic paralysis. Also called: Familial hyperkalemic periodic paralysis; Gamstorp disease. Identifiers: Orphanet 682, MedGen C0238357, MONDO:0008224, OMIM 170500, HP:0007215.

gnomAD v4.1: 1 of 1,614,020 alleles (0.000062%); highest among the groups gnomAD compares: East Asian, 0.0022%; no homozygotes.

Submissions (2):

Labcorp Genetics (formerly Invitae), Labcorp
Classification: Uncertain significance for Hyperkalemic periodic paralysis. Last evaluated: 2024-12-31. Review status: criteria provided, single submitter. Criteria: Invitae Variant Classification Sherloc (09022015). Collection method: clinical testing. Allele origin: germline.
Comment: This sequence change replaces isoleucine, which is neutral and non-polar, with valine, which is neutral and non-polar, at codon 1393 of the SCN4A protein (p.Ile1393Val). This variant is present in population databases (no rsID available, gnomAD 0.006%). This variant has not been reported in the literature in individuals affected with SCN4A-related conditions. Invitae Evidence Modeling of protein sequence and biophysical properties (such as structural, functional, and spatial information, amino acid conservation, physicochemical variation, residue mobility, and thermodynamic stability) indicates that this missense variant is not expected to disrupt SCN4A protein function with a negative predictive value of 95%. In summary, the available evidence is currently insufficient to determine the role of this variant in disease. Therefore, it has been classified as a Variant of Uncertain Significance.

GeneDx
Classification: Uncertain significance. Last evaluated: 2024-01-10. Review status: criteria provided, single submitter. Criteria: GeneDx Variant Classification Process June 2021. Collection method: clinical testing. Allele origin: germline. Affected: yes.
Comment: Not observed at significant frequency in large population cohorts (gnomAD); In silico analysis supports that this missense variant does not alter protein structure/function; Has not been previously published as pathogenic or benign to our knowledge